The following is an entry in ClinVar:

ClinVar aggregate classification (germline): Benign/Likely benign. Review status: criteria provided, multiple submitters, no conflicts (2 of 4 stars). 2 submissions from 2 submitters: Benign (1); Likely benign (1). Last evaluated 2025-12-09.

Conditions:
ABCD3-related disorder. Also called: ABCD3-related condition.

Allele frequency attached by ClinVar (database versions not stated): gnomAD 0.00001 and 0.00025; TOPMed 0.00003; gnomAD exomes 0.00038 and 0.00072; ExAC 0.00085; 1000 Genomes Project 30x 0.00125; 1000 Genomes Project 0.00160.
gnomAD v4.1: 585 of 1,613,696 alleles (0.036%); highest among the groups gnomAD compares: South Asian, 0.62%; 7 homozygotes.

Submissions (2):

PreventionGenetics, part of Exact Sciences
Classification: Likely benign for ABCD3-related condition. Last evaluated: 2025-12-09. Review status: criteria provided, single submitter. Criteria: ACMG Guidelines, 2015. Collection method: clinical testing. Allele origin: germline.
Comment: This variant is classified as likely benign based on ACMG/AMP sequence variant interpretation guidelines (Richards et al. 2015 PMID: 25741868, with internal and published modifications).

Labcorp Genetics (formerly Invitae), Labcorp
Classification: Benign. Last evaluated: 2025-04-19. Review status: criteria provided, single submitter. Criteria: Invitae Variant Classification Sherloc (09022015). Collection method: clinical testing. Allele origin: germline.

NM_002858.4(ABCD3):c.685-9T>C

Gene: ABCD3 (ATP binding cassette subfamily D member 3; plus strand). Cytogenetic location: 1p21.3.
Variant type: single nucleotide variant.
Coding change: c.685-9T>C on transcript NM_002858.4 (MANE Select); 9 bases into the intron before coding-DNA position 685, T replaced by C.
Molecular consequence: intron variant.
Genome position (GRCh38, 1-based): chr1:94,480,455, T>C. VCF-style: chr1-94480455-T-C. GRCh37 (hg19) VCF-style: chr1-94946011-T-C.
Identifiers: ClinVar variation 788078 (VCV000788078.10), dbSNP rs563660571, ClinGen allele CA960222.